The following is an entry in ClinVar:

NM_173354.5(SIK1):c.1232G>A (p.Ser411Asn)

Gene: SIK1 (salt inducible kinase 1; minus strand). Cytogenetic location: 21q22.3.
Variant type: single nucleotide variant.
Coding change: c.1232G>A on transcript NM_173354.5 (MANE Select); coding-DNA position 1232, G replaced by A.
Protein change: p.Ser411Asn; replaces serine 411 with asparagine.
Molecular consequence: missense variant.
Genome position (GRCh38, 1-based): chr21:43,419,366, C>T on the plus strand (G>A on the coding strand, the complement: SIK1 is on the minus strand). VCF-style: chr21-43419366-C-T. GRCh37 (hg19) VCF-style: chr21-44839246-C-T.
Other names: short protein forms S411N.
Identifiers: ClinVar variation 4761625 (VCV004761625.1).
Genomic context (GRCh38, chr21:43,419,366, plus strand): 5'-GGGCTGGGCTGAGGCGAGCCCTCTGCACACCCGCTGTGGGCACTCACCCACTGCAGCGAG[C>T]TCTGGAGCTCACAGTCCATCTCGGCCTGGAGGACGGACTGCACCAAGGTCTGCGGCTGCG-3'
Protein context (NP_775490.2, residues 401-421): LQAEMDCELQ[Ser411Asn]SLQWPLFFPV

ClinVar aggregate classification (germline): Uncertain significance (1 of 4 stars; one submission).

Conditions:
Developmental and epileptic encephalopathy, 30 (DEE30). Also called: Epileptic encephalopathy, early infantile, 30. Identifiers: MedGen C4225360, MONDO:0014595, OMIM 616341.

Submission:

Labcorp Genetics (formerly Invitae), Labcorp
Classification: Uncertain significance for Developmental and epileptic encephalopathy, 30. Last evaluated: 2025-09-09. Review status: criteria provided, single submitter. Criteria: Invitae Variant Classification Sherloc (09022015). Collection method: clinical testing. Allele origin: germline.
Comment: This sequence change replaces serine, which is neutral and polar, with asparagine, which is neutral and polar, at codon 411 of the SIK1 protein (p.Ser411Asn). This variant is not present in population databases (gnomAD no frequency). This variant has not been reported in the literature in individuals affected with SIK1-related conditions. Invitae Evidence Modeling of protein sequence and biophysical properties (such as structural, functional, and spatial information, amino acid conservation, physicochemical variation, residue mobility, and thermodynamic stability) indicates that this missense variant is not expected to disrupt SIK1 protein function with a negative predictive value of 95%. This variant disrupts the p.Ser411 amino acid residue in SIK1. Other variant(s) that disrupt this residue have been observed in individuals with SIK1-related conditions (PMID: 25839329; internal data), which suggests that this may be a clinically significant amino acid residue. In summary, the available evidence is currently insufficient to determine the role of this variant in disease. Therefore, it has been classified as a Variant of Uncertain Significance.

Literature cited by the submitters: PubMed 25839329.